The following is an entry in ClinVar:

ClinVar aggregate classification (germline): Pathogenic (1 of 4 stars; one submission).

Conditions:
T-cell immunodeficiency, congenital alopecia, and nail dystrophy. Also called: Congenital alopecia and nail dystrophy associated with severe functional T-cell immunodeficiency; Pignata Guarino syndrome. Identifiers: Orphanet 169095, MedGen C1866426, MONDO:0011132, OMIM 601705.

Submission:

Labcorp Genetics (formerly Invitae), Labcorp
Classification: Pathogenic for T-cell immunodeficiency, congenital alopecia, and nail dystrophy. Last evaluated: 2024-02-24. Review status: criteria provided, single submitter. Criteria: Invitae Variant Classification Sherloc (09022015). Collection method: clinical testing. Allele origin: germline.
Comment: This sequence change creates a premature translational stop signal (p.Pro244Tyrfs*59) in the FOXN1 gene. It is expected to result in an absent or disrupted protein product. Loss-of-function variants in FOXN1 are known to be pathogenic (PMID: 10206641, 15180707, 31447097). This variant is not present in population databases (gnomAD no frequency). This variant has not been reported in the literature in individuals affected with FOXN1-related conditions. ClinVar contains an entry for this variant (Variation ID: 663245). Algorithms developed to predict the effect of sequence changes on RNA splicing suggest that this variant may disrupt the consensus splice site. For these reasons, this variant has been classified as Pathogenic.

Literature cited by the submitters: PubMed 10206641; PubMed 15180707; PubMed 31447097.

NM_001369369.1(FOXN1):c.728_729dup (p.Pro244fs)

Gene: FOXN1 (forkhead box N1; plus strand). Cytogenetic location: 17q11.2.
Variant type: Duplication.
Coding change: c.728_729dup on transcript NM_001369369.1 (MANE Select); coding-DNA positions 728 to 729, 2 bases duplicated (TA; older notation c.728_729dupTA).
Protein change: p.Pro244fs; shifts the reading frame from proline 244.
Molecular consequence: frameshift variant.
Genome position (GRCh38, 1-based): chr17:28,529,122-28,529,123, TA duplicated; duplicating any 2 consecutive bases within chr17:28,529,121-28,529,123 gives the same sequence; the c. name uses the placement nearest the transcript's 3' end. VCF-style (leftmost placement, unchanged base first): chr17-28529120-C-CAT. GRCh37 (hg19) VCF-style: chr17-26856138-C-CAT.
Other names: c.728_729dupTA (NM_003593.2); c.728_729dup, p.Pro244fs (NM_003593.3); short protein forms P244fs.
Identifiers: ClinVar variation 663245 (VCV000663245.8), dbSNP rs1597558200, ClinGen allele CA915949636.
Genomic context (GRCh38, chr17:28,529,120, plus strand): 5'-CATGCAATCACTCTGCCCCTTTTGACCTCCTCAGTACTCGCCAGGTGGTGGCAGCTACCC[C>CAT]ATACCCTACCTGGGCTCCTCACACTATCAGTACCAGCGAATGGCACCCCAGGCCAGCACC-3'